The following is an entry in ClinVar:

ClinVar aggregate classification (germline): Uncertain significance (1 of 4 stars; one submission).

Submission:

Labcorp Genetics (formerly Invitae), Labcorp
Classification: Uncertain significance. Last evaluated: 2023-11-03. Review status: criteria provided, single submitter. Criteria: Invitae Variant Classification Sherloc (09022015). Collection method: clinical testing. Allele origin: germline.
Comment: This sequence change replaces methionine, which is neutral and non-polar, with isoleucine, which is neutral and non-polar, at codon 241 of the DDX41 protein (p.Met241Ile). This variant is not present in population databases (gnomAD no frequency). This variant has not been reported in the literature in individuals affected with DDX41-related conditions. An algorithm developed to predict the effect of missense changes on protein structure and function (PolyPhen-2) suggests that this variant is likely to be tolerated. In summary, the available evidence is currently insufficient to determine the role of this variant in disease. Therefore, it has been classified as a Variant of Uncertain Significance.

NM_016222.4(DDX41):c.723G>T (p.Met241Ile)

Gene: DDX41 (DEAD-box helicase 41; minus strand). Cytogenetic location: 5q35.3.
Variant type: single nucleotide variant.
Coding change: c.723G>T on transcript NM_016222.4 (MANE Select); coding-DNA position 723, G replaced by T.
Protein change: p.Met241Ile; replaces methionine 241 with isoleucine.
Molecular consequence: missense variant.
Genome position (GRCh38, 1-based): chr5:177,514,991, C>A on the plus strand (G>T on the coding strand, the complement: DDX41 is on the minus strand). VCF-style: chr5-177514991-C-A. GRCh37 (hg19) VCF-style: chr5-176941992-C-A.
Other names: c.345G>T, p.Met115Ile (NM_001321732.2, NM_001321830.2); short protein forms M241I, M115I.
Identifiers: ClinVar variation 2692894 (VCV002692894.3), dbSNP rs1761157247, ClinGen allele CA362375273.
Genomic context (GRCh38, chr5:177,514,991, plus strand): 5'-GAGTCCATAGGGCCCCTCGCGCTTTGAGAAGGGTAACCTCTTCTCTTGTTCCAGGCAGAA[C>A]ATGATGACGGGCAACGTGAACACCAGTGTCTTGCCTGAACCCGTGAAAGCGATGCCTATC-3'
Protein context (NP_057306.2, residues 231-251): KTLVFTLPVI[Met241Ile]FCLEQEKRLP